The following is an entry in ClinVar:

ClinVar aggregate classification (germline): Likely benign (1 of 4 stars; one submission).

gnomAD v4.1: 6 of 1,210,892 alleles (0.0005%); highest among the groups gnomAD compares: Non-Finnish European, 0.00067%; no homozygotes.

Submission:

CeGaT Center for Human Genetics Tuebingen
Classification: Likely benign. Last evaluated: 2022-05-01. Review status: criteria provided, single submitter. Criteria: CeGaT Center For Human Genetics Tuebingen Variant Classification Criteria Version 2. Collection method: clinical testing. Allele origin: germline. Affected: yes. Observed: 1 variant allele.
Comment: GUCY2F: BP4, BP7

NM_001522.3(GUCY2F):c.615C>A (p.Val205=)

Gene: GUCY2F (guanylate cyclase 2F, retinal; minus strand). Cytogenetic location: Xq23.
Variant type: single nucleotide variant.
Coding change: c.615C>A on transcript NM_001522.3 (MANE Select); coding-DNA position 615, C replaced by A.
Protein change: p.Val205=; no amino-acid change (valine 205 retained).
Molecular consequence: synonymous variant.
Genome position (GRCh38, 1-based): chrX:109,475,322, G>T on the plus strand (C>A on the coding strand, the complement: GUCY2F is on the minus strand). VCF-style: chrX-109475322-G-T. GRCh37 (hg19) VCF-style: chrX-108718551-G-T.
Identifiers: ClinVar variation 2661178 (VCV002661178.24), dbSNP rs201431183, ClinGen allele CA10490621.